The following is an entry in ClinVar:

NM_000726.5(CACNB4):c.770C>T (p.Thr257Met)

Gene: CACNB4 (calcium voltage-gated channel auxiliary subunit beta 4; minus strand). Cytogenetic location: 2q23.3.
Variant type: single nucleotide variant.
Coding change: c.770C>T on transcript NM_000726.5 (MANE Select); coding-DNA position 770, C replaced by T.
Protein change: p.Thr257Met; replaces threonine 257 with methionine.
Molecular consequence: missense variant. On other transcripts: intron variant (3).
Genome position (GRCh38, 1-based): chr2:151,860,809, G>A on the plus strand (C>T on the coding strand, the complement: CACNB4 is on the minus strand). VCF-style: chr2-151860809-G-A. GRCh37 (hg19) VCF-style: chr2-152717323-G-A.
Other names: c.629C>T, p.Thr210Met (NM_001330118.2, NM_001320722.3); c.626-5434C>T (NM_001330113.2); c.578-5434C>T (NM_001330115.2); c.539-5434C>T (NM_001330116.2); c.116C>T, p.Thr39Met (NM_001330114.2); c.212C>T, p.Thr71Met (NM_001330117.2); c.716C>T, p.Thr239Met (NM_001005746.4); c.668C>T, p.Thr223Met (NM_001005747.4); and 1 more; short protein forms T257M, T223M, T210M, T239M, T39M, T71M.
Identifiers: ClinVar variation 460001 (VCV000460001.8), dbSNP rs1553749683, ClinGen allele CA348793122.
Genomic context (GRCh38, chr2:151,860,809, plus strand): 5'-CTCTTGCTGGGATTATTTAGGACAGACCTCTTAGCAAGAGAAATGTCAGCTGTCACTCTC[G>A]TTATTGAAATCCTATGAATAGGAACACAGAACAGAACAAGCCAGTAAAAATGTTATGGGG-3'
Protein context (NP_000717.2, residues 247-267): KHRFDGRISI[Thr257Met]RVTADISLAK

ClinVar aggregate classification (germline): Uncertain significance (1 of 4 stars; one submission).

Conditions:
Idiopathic generalized epilepsy. Also called: EIG; Generalised epilepsy. Identifiers: MedGen C0270850, MONDO:0005579, OMIM 600669.

Allele frequency attached by ClinVar (database versions not stated): gnomAD exomes below 0.00001.
gnomAD v4.1: 4 of 1,608,262 alleles (0.00025%); highest among the groups gnomAD compares: Non-Finnish European, 0.00034%; no homozygotes.

Submission:

Labcorp Genetics (formerly Invitae), Labcorp
Classification: Uncertain significance for Idiopathic generalized epilepsy. Last evaluated: 2022-01-14. Review status: criteria provided, single submitter. Criteria: Invitae Variant Classification Sherloc (09022015). Collection method: clinical testing. Allele origin: germline.
Comment: In summary, the available evidence is currently insufficient to determine the role of this variant in disease. Therefore, it has been classified as a Variant of Uncertain Significance. This sequence change replaces threonine, which is neutral and polar, with methionine, which is neutral and non-polar, at codon 257 of the CACNB4 protein (p.Thr257Met). Algorithms developed to predict the effect of missense changes on protein structure and function are either unavailable or do not agree on the potential impact of this missense change (SIFT: "Deleterious"; PolyPhen-2: "Probably Damaging"; Align-GVGD: "Class C0"). ClinVar contains an entry for this variant (Variation ID: 460001). This variant has not been reported in the literature in individuals affected with CACNB4-related conditions. This variant is not present in population databases (gnomAD no frequency).